The following is an entry in ClinVar:

ClinVar aggregate classification (germline): Uncertain significance (1 of 4 stars; one submission).

Conditions:
Sulfite oxidase deficiency due to molybdenum cofactor deficiency type A. Also called: Molybdenum cofactor deficiency, complementation group A; Molybdenum Cofactor Deficiency A. Identifiers: Orphanet 308386, Orphanet 833, MedGen C1854988, MONDO:0009643, OMIM 252150.

Allele frequency attached by ClinVar (database versions not stated): TOPMed below 0.00001.
gnomAD v4.1: 1 of 1,614,202 alleles (0.000062%); no homozygotes.

Submission:

Labcorp Genetics (formerly Invitae), Labcorp
Classification: Uncertain significance for Sulfite oxidase deficiency due to molybdenum cofactor deficiency type A. Last evaluated: 2024-10-21. Review status: criteria provided, single submitter. Criteria: Invitae Variant Classification Sherloc (09022015). Collection method: clinical testing. Allele origin: germline.
Comment: This sequence change replaces isoleucine, which is neutral and non-polar, with valine, which is neutral and non-polar, at codon 203 of the MOCS1 protein (p.Ile203Val). This variant is not present in population databases (gnomAD no frequency). This variant has not been reported in the literature in individuals affected with MOCS1-related conditions. ClinVar contains an entry for this variant (Variation ID: 1996745). An algorithm developed to predict the effect of missense changes on protein structure and function outputs the following: PolyPhen-2: "Benign". The valine amino acid residue is found in multiple mammalian species, which suggests that this missense change does not adversely affect protein function. In summary, the available evidence is currently insufficient to determine the role of this variant in disease. Therefore, it has been classified as a Variant of Uncertain Significance.

NM_001358530.2(MOCS1):c.607A>G (p.Ile203Val)

Gene: MOCS1 (molybdenum cofactor synthesis 1; minus strand). Cytogenetic location: 6p21.2.
Variant type: single nucleotide variant.
Coding change: c.607A>G on transcript NM_001358530.2 (MANE Select); coding-DNA position 607, A replaced by G.
Protein change: p.Ile203Val; replaces isoleucine 203 with valine.
Molecular consequence: missense variant. On other transcripts: non-coding transcript variant (1).
Genome position (GRCh38, 1-based): chr6:39,913,812, T>C on the plus strand (A>G on the coding strand, the complement: MOCS1 is on the minus strand). VCF-style: chr6-39913812-T-C. GRCh37 (hg19) VCF-style: chr6-39881556-T-C.
Other names: c.607A>G, p.Ile203Val (NM_001075098.4, NM_001358529.2, NM_005943.6); c.346A>G, p.Ile116Val (NM_001358531.2, NM_001358533.2, NM_001358534.2); short protein forms I116V, I203V.
Identifiers: ClinVar variation 1996745 (VCV001996745.4), dbSNP rs1767493973, ClinGen allele CA364044201.